The following is an entry in ClinVar:

NM_017780.4(CHD7):c.3847C>T (p.Gln1283Ter)

Gene: CHD7 (chromodomain helicase DNA binding protein 7; plus strand). Cytogenetic location: 8q12.2.
Variant type: single nucleotide variant.
Coding change: c.3847C>T on transcript NM_017780.4 (MANE Select); coding-DNA position 3847, C replaced by T.
Protein change: p.Gln1283Ter; replaces glutamine 1283 with a stop codon.
Molecular consequence: nonsense. On other transcripts: intron variant (1).
Genome position (GRCh38, 1-based): chr8:60,836,141, C>T. VCF-style: chr8-60836141-C-T. GRCh37 (hg19) VCF-style: chr8-61748700-C-T.
Other names: c.1717-26088C>T (NM_001316690.1); short protein forms Q1283*.
Identifiers: ClinVar variation 2735175 (VCV002735175.4), dbSNP rs2487895579, ClinGen allele CA371316238.

ClinVar aggregate classification (germline): Pathogenic. Review status: criteria provided, multiple submitters, no conflicts (2 of 4 stars). 2 submissions from 2 submitters: Pathogenic (2). Last evaluated 2026-02-19.

Conditions:
CHARGE syndrome (CHARGE). Also called: Hittner Hirsch Kreh syndrome; CHARGE ASSOCIATION--COLOBOMA, HEART ANOMALY, CHOANAL ATRESIA, RETARDATION, GENITAL AND EAR ANOMALIES; Coloboma, heart anomaly, choanal atresia, retardation, genital and ear anomalies; CHARGE association; Hall-Hittner syndrome. Identifiers: Orphanet 138, MedGen C0265354, MONDO:0008965.

Submissions (2):

GeneDx
Classification: Pathogenic. Last evaluated: 2026-02-19. Review status: criteria provided, single submitter. Criteria: GeneDx Variant Classification Process June 2021. Collection method: clinical testing. Allele origin: germline.
Comment: Identified in a patient with clinical features of CHD7-related CHARGE spectrum disorder in published literature (PMID: 22461308); Nonsense variant predicted to result in protein truncation or nonsense mediated decay in a gene for which loss of function is a known mechanism of disease; Not observed at significant frequency in large population cohorts (gnomAD); This variant is associated with the following publications: (PMID: 22461308)

Labcorp Genetics (formerly Invitae), Labcorp
Classification: Pathogenic for CHARGE syndrome. Last evaluated: 2023-04-10. Review status: criteria provided, single submitter. Criteria: Invitae Variant Classification Sherloc (09022015). Collection method: clinical testing. Allele origin: germline.
Comment: For these reasons, this variant has been classified as Pathogenic. This premature translational stop signal has been observed in individual(s) with clinical features of CHARGE Syndrome (PMID: 22461308). This variant is not present in population databases (gnomAD no frequency). This sequence change creates a premature translational stop signal (p.Gln1283*) in the CHD7 gene. It is expected to result in an absent or disrupted protein product. Loss-of-function variants in CHD7 are known to be pathogenic (PMID: 22461308, 25077900).

Literature cited by the submitters: PubMed 22461308 (cited by Labcorp Genetics (formerly Invitae), Labcorp); PubMed 25077900 (cited by Labcorp Genetics (formerly Invitae), Labcorp).